The following is an entry in ClinVar:

ClinVar aggregate classification (germline): Uncertain significance (1 of 4 stars; one submission).

Conditions:
Feingold syndrome type 1 (FGLDS1). Also called: MICROCEPHALY AND DIGITAL ABNORMALITIES WITH NORMAL INTELLIGENCE; MICROCEPHALY, MENTAL RETARDATION, AND TRACHEOESOPHAGEAL FISTULA SYNDROME; MICROCEPHALY-OCULO-DIGITO-ESOPHAGEAL-DUODENAL SYNDROME; OCULODIGITOESOPHAGODUODENAL SYNDROME; ODED SYNDROME. Identifiers: Orphanet 1305, Orphanet 391641, MedGen C4551774, MONDO:0008115, OMIM 164280.

Submission:

Victorian Clinical Genetics Services, Murdoch Childrens Research Institute
Classification: Uncertain significance for Feingold syndrome type 1. Review status: criteria provided, single submitter. Criteria: ACMG Guidelines, 2015. Collection method: clinical testing. Allele origin: de novo. Affected: yes.
Comment: - Variant is absent from gnomAD (both v2 and v3). Evidence in support of benign classification: - Missense variant consistently predicted to be tolerated by multiple in silico tools or not conserved in placental mammals with a minor amino acid change. Additional information: - Loss of function is a known mechanism of disease in this gene and is associated with Feingold syndrome 1 (MIM#164840). - This gene is associated with autosomal dominant disease. - Variant is predicted to result in a missense amino acid change from alanine to serine. - This variant is heterozygous. - Alternative amino acid changes at the same position have been observed in gnomAD (v2) (highest allele frequency: 15 heterozygotes, 0 homozygotes). - Variant is located in the annotated Myc amino-terminal region (Pfam). - No comparable missense variants have previous evidence for pathogenicity. - This variant has no previous evidence of pathogenicity. - No published segregation evidence has been identified for this variant. - No published functional evidence has been identified for this variant.

NM_005378.6(MYCN):c.1060G>T (p.Ala354Ser)

Gene: MYCN (MYCN proto-oncogene, bHLH transcription factor; plus strand). Cytogenetic location: 2p24.3.
Variant type: single nucleotide variant.
Coding change: c.1060G>T on transcript NM_005378.6 (MANE Select); coding-DNA position 1060, G replaced by T.
Protein change: p.Ala354Ser; replaces alanine 354 with serine.
Molecular consequence: missense variant. On other transcripts: 3 prime UTR variant (1).
Genome position (GRCh38, 1-based): chr2:15,945,762, G>T. VCF-style: chr2-15945762-G-T. GRCh37 (hg19) VCF-style: chr2-16085884-G-T.
Other names: c.1060G>T, p.Ala354Ser (NM_001293228.2); c.427G>T, p.Ala143Ser (NM_001293231.2); c.*995G>T (NM_001293233.2); short protein forms A143S, A354S.
Identifiers: ClinVar variation 2500723 (VCV002500723.1), dbSNP rs950219349, ClinGen allele CA345932193.
Genomic context (GRCh38, chr2:15,945,762, plus strand): 5'-GCCCCCTCTCCCTACGTGGAGAGTGAGGATGCACCCCCACAGAAGAAGATAAAGAGCGAG[G>T]CGTCCCCACGTCCGCTCAAGAGTGTCATCCCCCCAAAGGCTAAGAGCTTGAGCCCCCGAA-3'
Protein context (NP_005369.2, residues 344-364): APPQKKIKSE[Ala354Ser]SPRPLKSVIP